The following is an entry in ClinVar:

ClinVar aggregate classification (germline): Pathogenic. Review status: criteria provided, multiple submitters, no conflicts (2 of 4 stars). 2 submissions from 2 submitters: Pathogenic (2). Last evaluated 2023-12-19.

Conditions:
Neu-Laxova syndrome 2. Identifiers: Orphanet 2671, Orphanet 583602, MedGen C4015019, MONDO:0014466, OMIM 616038.
PSAT1-related disorder. Also called: PSAT1-related condition; PSAT1-related disorders.

Submissions (2):

Labcorp Genetics (formerly Invitae), Labcorp
Classification: Pathogenic for Neu-Laxova syndrome 2. Last evaluated: 2023-12-19. Review status: criteria provided, single submitter. Criteria: Invitae Variant Classification Sherloc (09022015). Collection method: clinical testing. Allele origin: germline.
Comment: This sequence change creates a premature translational stop signal (p.Ser138Thrfs*56) in the PSAT1 gene. It is expected to result in an absent or disrupted protein product. Loss-of-function variants in PSAT1 are known to be pathogenic (PMID: 17436247, 25152457). This variant is not present in population databases (gnomAD no frequency). This variant has not been reported in the literature in individuals affected with PSAT1-related conditions. ClinVar contains an entry for this variant (Variation ID: 2581497). For these reasons, this variant has been classified as Pathogenic.

Women's Health and Genetics/Laboratory Corporation of America, LabCorp
Classification: Pathogenic for PSAT1-Related Disorders. Last evaluated: 2023-08-04. Review status: criteria provided, single submitter. Criteria: LabCorp Variant Classification Summary - May 2015. Collection method: clinical testing. Allele origin: germline.
Comment: Variant summary: PSAT1 c.413delG (p.Ser138ThrfsX56) results in a premature termination codon, predicted to cause a truncation of the encoded protein or absence of the protein due to nonsense mediated decay, which are commonly known mechanisms for disease. The variant was absent in 251266 control chromosomes (gnomAD). To our knowledge, no occurrence of c.413delG in individuals affected with PSAT1-Related Disorders and no experimental evidence demonstrating its impact on protein function have been reported. No submitters have reported clinical-significance assessments for this variant to ClinVar after 2014. Based on the evidence outlined above, the variant was classified as pathogenic.

Literature cited by the submitters: PubMed 17436247 (cited by Labcorp Genetics (formerly Invitae), Labcorp); PubMed 25152457 (cited by Labcorp Genetics (formerly Invitae), Labcorp).

NM_058179.4(PSAT1):c.413del (p.Ser138fs)

Gene: PSAT1 (phosphoserine aminotransferase 1; plus strand). Cytogenetic location: 9q21.2.
Variant type: Deletion.
Coding change: c.413del on transcript NM_058179.4 (MANE Select); coding-DNA position 413, one base deleted (G; older notation c.413delG).
Protein change: p.Ser138fs; shifts the reading frame from serine 138.
Molecular consequence: frameshift variant.
Genome position (GRCh38, 1-based): chr9:78,306,329, G deleted. VCF-style (leftmost placement, unchanged base first): chr9-78306328-AG-A. GRCh37 (hg19) VCF-style: chr9-80921244-AG-A.
Other names: c.413del, p.Ser138fs (NM_021154.5); short protein forms S138fs.
Identifiers: ClinVar variation 2581497 (VCV002581497.4), dbSNP rs2489644879, ClinGen allele CA2582341996.